The following is an entry in ClinVar:

ClinVar aggregate classification (germline): Pathogenic (1 of 4 stars; one submission).

Submission:

GeneDx
Classification: Pathogenic. Last evaluated: 2018-12-18. Review status: criteria provided, single submitter. Criteria: GeneDx Variant Classification (06012015). Collection method: clinical testing. Allele origin: germline. Affected: yes.
Comment: The W289X variant has not been published as a pathogenic variant, nor has it been reported as a benign variant to our knowledge. The variant is not observed in large population cohorts (Lek et al., 2016). It is predicted to cause loss of normal protein function either through protein truncation or nonsense-mediated mRNA decay. We consider this variant to be pathogenic.

NM_001038603.3(MARVELD2):c.866G>A (p.Trp289Ter)

Gene: MARVELD2 (MARVEL domain containing 2; plus strand). Cytogenetic location: 5q13.2.
Variant type: single nucleotide variant.
Coding change: c.866G>A on transcript NM_001038603.3 (MANE Select); coding-DNA position 866, G replaced by A.
Protein change: p.Trp289Ter; replaces tryptophan 289 with a stop codon.
Molecular consequence: nonsense.
Genome position (GRCh38, 1-based): chr5:69,420,251, G>A. VCF-style: chr5-69420251-G-A. GRCh37 (hg19) VCF-style: chr5-68716078-G-A.
Other names: c.866G>A, p.Trp289Ter (NM_001244734.2); short protein forms W289*.
Identifiers: ClinVar variation 620515 (VCV000620515.1), dbSNP rs1561291313, ClinGen allele CA359924854.
Genomic context (GRCh38, chr5:69,420,251, plus strand): 5'-TTATTCTGGTTCTTGGCATGTCCATGTATTACCGGACCATTCTTCTGGACTCTAATTGGT[G>A]GCCCCTAACTGAATTTGGAATTAACGTTGCCTTGTTTATTTTGTATATGGCCGCAGCCAT-3'